The following is an entry in ClinVar:

NM_001378609.3(OTOGL):c.1987del (p.Asp663fs)

Gene: OTOGL (otogelin like; plus strand). Cytogenetic location: 12q21.31.
Variant type: Deletion.
Coding change: c.1987del on transcript NM_001378609.3 (MANE Select); coding-DNA position 1987, one base deleted (G; older notation c.1987delG).
Protein change: p.Asp663fs; shifts the reading frame from aspartic acid 663.
Molecular consequence: frameshift variant.
Genome position (GRCh38, 1-based): chr12:80,262,066, G deleted; the last of 2 consecutive G bases (chr12:80,262,065-80,262,066); deleting either gives the same sequence. VCF-style (leftmost placement, unchanged base first): chr12-80262064-TG-T. GRCh37 (hg19) VCF-style: chr12-80655844-TG-T.
Other names: c.1987del, p.Asp663fs (NM_001368062.3, NM_001378610.3, NM_173591.7); c.1987delG (NM_173591.7); short protein forms D663fs.
Identifiers: ClinVar variation 4850586 (VCV004850586.1).
Genomic context (GRCh38, chr12:80,262,064, plus strand): 5'-TTCACGCAAATGCGTGGAGAGTTTCTTCTACCTGTTTTGCACCTGTTCATGTCCCAGTGG[TG>T]GACCCCTGTAACATCAATCAACAAAACAGTAAGTTTTGCATGTAAACTTCCTTTCTGCTG-3'

ClinVar aggregate classification (germline): Likely pathogenic (1 of 4 stars; one submission).

Conditions:
Autosomal recessive nonsyndromic hearing loss 84B. Also called: Deafness, autosomal recessive 84b. Identifiers: Orphanet 90636, MedGen C3554159, MONDO:0013984, OMIM 614944.

Submission:

First Genomix Gene Laboratory, Genetic Diagnostics Department
Classification: Likely pathogenic for Autosomal recessive nonsyndromic hearing loss 84B. Last evaluated: 2025-07-29. Review status: criteria provided, single submitter. Criteria: ACMG Guidelines, 2015. Collection method: clinical testing. Allele origin: germline. Inheritance: Autosomal recessive inheritance. Affected: no. Observed: 1 variant allele.